The following is an entry in ClinVar:

ClinVar aggregate classification (germline): Uncertain significance (1 of 4 stars; one submission).

Conditions:
Candidiasis, familial, 9 (CANDF9). Identifiers: Orphanet 1334, MedGen C4225324, MONDO:0014642, OMIM 616445.

gnomAD v4.1: 2 of 1,587,404 alleles (0.00013%); highest among the groups gnomAD compares: Admixed American, 0.0018%; no homozygotes.

Submission:

Labcorp Genetics (formerly Invitae), Labcorp
Classification: Uncertain significance for Candidiasis, familial, 9. Last evaluated: 2025-04-07. Review status: criteria provided, single submitter. Criteria: Invitae Variant Classification Sherloc (09022015). Collection method: clinical testing. Allele origin: germline.
Comment: This sequence change replaces alanine, which is neutral and non-polar, with glycine, which is neutral and non-polar, at codon 636 of the IL17RC protein (p.Ala636Gly). This variant is present in population databases (rs774863711, gnomAD 0.003%). This variant has not been reported in the literature in individuals affected with IL17RC-related conditions. ClinVar contains an entry for this variant (Variation ID: 3605310). An algorithm developed to predict the effect of missense changes on protein structure and function (PolyPhen-2) suggests that this variant is likely to be tolerated. In summary, the available evidence is currently insufficient to determine the role of this variant in disease. Therefore, it has been classified as a Variant of Uncertain Significance.

NM_153460.4(IL17RC):c.1694C>G (p.Ala565Gly)

Gene: IL17RC (interleukin 17 receptor C; plus strand). Cytogenetic location: 3p25.3.
Variant type: single nucleotide variant.
Coding change: c.1694C>G on transcript NM_153460.4 (MANE Select); coding-DNA position 1694, C replaced by G.
Protein change: p.Ala565Gly; replaces alanine 565 with glycine.
Molecular consequence: missense variant. On other transcripts: non-coding transcript variant (1).
Genome position (GRCh38, 1-based): chr3:9,933,124, C>G. VCF-style: chr3-9933124-C-G. GRCh37 (hg19) VCF-style: chr3-9974808-C-G.
Other names: c.1655C>G, p.Ala552Gly (NM_001203263.2); c.1604C>G, p.Ala535Gly (NM_001203264.2); c.1598C>G, p.Ala533Gly (NM_001203265.2); c.1616C>G, p.Ala539Gly (NM_001367278.1); c.1535C>G, p.Ala512Gly (NM_001367279.1); c.1610C>G, p.Ala537Gly (NM_001367280.1); c.1559C>G, p.Ala520Gly (NM_001410711.1); c.1649C>G, p.Ala550Gly (NM_032732.6); and 1 more; short protein forms A512G, A520G, A533G, A535G, A537G, A539G, A550G, A552G.
Identifiers: ClinVar variation 3605310 (VCV003605310.2).